The following is an entry in ClinVar:

NM_004360.5(CDH1):c.1356A>G (p.Leu452=)

Gene: CDH1 (cadherin 1; plus strand). Cytogenetic location: 16q22.1.
Variant type: single nucleotide variant.
Coding change: c.1356A>G on transcript NM_004360.5 (MANE Select); coding-DNA position 1356, A replaced by G.
Protein change: p.Leu452=; no amino-acid change (leucine 452 retained).
Molecular consequence: synonymous variant. On other transcripts: 5 prime UTR variant (2).
Genome position (GRCh38, 1-based): chr16:68,815,550, A>G. VCF-style: chr16-68815550-A-G. GRCh37 (hg19) VCF-style: chr16-68849453-A-G.
Other names: c.1173A>G, p.Leu391= (NM_001317184.2); c.-193A>G (NM_001317185.2); c.-464A>G (NM_001317186.2).
Identifiers: ClinVar variation 560831 (VCV000560831.13), dbSNP rs61747633, ClinGen allele CA283308176.

ClinVar aggregate classification (germline): Benign/Likely benign. Review status: criteria provided, multiple submitters, no conflicts (2 of 4 stars). 4 submissions from 4 submitters: Benign (1); Likely benign (3). Last evaluated 2024-09-18.

Conditions:
Hereditary diffuse gastric adenocarcinoma (HDGC). Also called: DIFFUSE GASTRIC AND LOBULAR BREAST CANCER SYNDROME. Identifiers: Orphanet 26106, MedGen C1708349, MONDO:0007648, OMIM 137215.
Hereditary cancer-predisposing syndrome. Also called: Neoplastic Syndromes, Hereditary; Tumor predisposition; Hereditary Cancer Syndrome; Hereditary neoplastic syndrome. Identifiers: Orphanet 140162, MedGen C0027672, MeSH D009386, MONDO:0015356.

Allele frequency attached by ClinVar (database versions not stated): gnomAD exomes below 0.00001.
gnomAD v4.1: 2 of 1,614,212 alleles (0.00012%); highest among the groups gnomAD compares: Non-Finnish European, 0.00017%; no homozygotes.

Submissions (4):

Myriad Genetics, Inc.
Classification: Benign for Hereditary diffuse gastric adenocarcinoma. Last evaluated: 2024-09-18. Review status: criteria provided, single submitter. Criteria: Myriad Autosomal Dominant, Autosomal Recessive and X-Linked Classification Criteria (2023). Collection method: clinical testing. Allele origin: unknown.
Comment: This variant is considered benign. This variant is a silent/synonymous amino acid change and it is not expected to impact splicing.

Labcorp Genetics (formerly Invitae), Labcorp
Classification: Likely benign for Hereditary diffuse gastric adenocarcinoma. Last evaluated: 2024-03-19. Review status: criteria provided, single submitter. Criteria: Invitae Variant Classification Sherloc (09022015). Collection method: clinical testing. Allele origin: germline.

Ambry Genetics
Classification: Likely benign for Hereditary cancer-predisposing syndrome. Last evaluated: 2021-05-11. Review status: criteria provided, single submitter. Criteria: Ambry Variant Classification Scheme 2023. Collection method: clinical testing. Allele origin: germline.

PreventionGenetics, part of Exact Sciences
Classification: Likely benign. Last evaluated: 2017-07-20. Review status: criteria provided, single submitter. Criteria: ACMG Guidelines, 2015. Collection method: clinical testing. Allele origin: germline.